The following is an entry in ClinVar:

NM_001029883.3(PCARE):c.1220del (p.Gly407fs)

Gene: PCARE (photoreceptor cilium actin regulator; minus strand). Cytogenetic location: 2p23.2.
Variant type: Deletion.
Coding change: c.1220del on transcript NM_001029883.3 (MANE Select); coding-DNA position 1220, one base deleted (G; older notation c.1220delG).
Protein change: p.Gly407fs; shifts the reading frame from glycine 407.
Molecular consequence: frameshift variant.
Genome position (GRCh38, 1-based): chr2:29,073,042, C deleted on the plus strand (G on the coding strand, the reverse complement: PCARE is on the minus strand); the first of 2 consecutive C bases (chr2:29,073,042-29,073,043); deleting either gives the same sequence. VCF-style (leftmost placement, unchanged base first): chr2-29073041-GC-G. GRCh37 (hg19) VCF-style: chr2-29295907-GC-G.
Other names: short protein forms G407fs.
Identifiers: ClinVar variation 1446693 (VCV001446693.6), dbSNP rs2148416461, ClinGen allele CA2573134459.
Genomic context (GRCh38, chr2:29,073,041, plus strand): 5'-CTGTGCTCGTGGCTGAACCTTTGCCATAGGAGCCCCTGAGAGCAGGCAGTCCTGGGGTCT[GC>G]CTGAGCCCAAACAGAATGGACTTTGCTGCCAGGTGTGTCCTGACTGCCTGGCCTCTGTGT-3'

ClinVar aggregate classification (germline): Pathogenic (1 of 4 stars; one submission).

Submission:

Labcorp Genetics (formerly Invitae), Labcorp
Classification: Pathogenic. Last evaluated: 2021-07-26. Review status: criteria provided, single submitter. Criteria: Invitae Variant Classification Sherloc (09022015). Collection method: clinical testing. Allele origin: germline.
Comment: For these reasons, this variant has been classified as Pathogenic. Algorithms developed to predict the effect of sequence changes on RNA splicing suggest that this variant may create or strengthen a splice site. This variant has not been reported in the literature in individuals affected with PCARE-related conditions. This variant is not present in population databases (ExAC no frequency). This sequence change creates a premature translational stop signal (p.Gly407Alafs*42) in the PCARE gene. It is expected to result in an absent or disrupted protein product. Loss-of-function variants in PCARE are known to be pathogenic (PMID: 20398886, 24339724, 26496393).

Literature cited by the submitters: PubMed 20398886; PubMed 24339724; PubMed 26496393.